The following is an entry in ClinVar:

NM_007007.3(CPSF6):c.1596_1607del (p.533DR[2])

Gene: CPSF6 (cleavage and polyadenylation specific factor 6; plus strand). Cytogenetic location: 12q15.
Variant type: Deletion.
Coding change: c.1596_1607del on transcript NM_007007.3 (MANE Select); coding-DNA positions 1596 to 1607, 12 bases deleted (GGATCGTGACCG).
Protein change: p.533DR[2].
Molecular consequence: inframe deletion.
Genome position (GRCh38, 1-based): chr12:69,262,499-69,262,510, GGATCGTGACCG deleted; deleting any 12 consecutive bases within chr12:69,262,495-69,262,510 gives the same sequence; the c. name uses the placement nearest the transcript's 3' end. VCF-style (leftmost placement, unchanged base first): chr12-69262494-CACCGGGATCGTG-C. GRCh37 (hg19) VCF-style: chr12-69656274-CACCGGGATCGTG-C.
Other names: NM_001300947.2:c.1707_1718del; c.1707_1718del, p.570DR[2] (NM_001300947.2).
Identifiers: ClinVar variation 4819586 (VCV004819586.1).

ClinVar aggregate classification (germline): Uncertain significance (1 of 4 stars; one submission).

Conditions:
Neurodevelopmental disorder. Identifiers: MedGen C1535926, MeSH D065886, MONDO:0700092.

Submission:

Broad Center for Mendelian Genomics, Broad Institute of MIT and Harvard
Classification: Uncertain significance for Neurodevelopmental disorder. Last evaluated: 2026-03-05. Review status: criteria provided, single submitter. Criteria: ACMG Guidelines, 2015. Collection method: research. Allele origin: germline. Study: GREGoR Consortium.
Comment: The p.Asp537 _Arg540del variant in CPSF6 has not been previously reported in the literature, but was identified through WGS analysis by the Broad Institute Rare Genomes Project in a child with Lennox-Gastaut syndrome, global developmental delay, and intellectual disability. This variant is a deletion of 4 amino acids in a repetitive region and is not predicted to alter the protein reading-frame. A deletion of the same four amino acids has been identified in 1/1111944 European chromosomes by gnomAD. Additionally, a nearby in-frame deletion (p.Asp543_Arg546del) has been identified in 0.02% (219/1179858) of European chromosomes in gnomAD. While the impact of the p.Asp537 _Arg540del variant remains unclear, the presence of a similar deletion in >200 chromosomes in gnomAD suggests it is less likely to have a severe impact on protein function. Furthermore, although this gene has been reported in association with neurodevelopmental disorder, this association has not been definitively established. In summary, the clinical significance of this variant is uncertain.